The following is an entry in ClinVar:

ClinVar aggregate classification (germline): Benign. Review status: criteria provided, multiple submitters, no conflicts (2 of 4 stars). 3 submissions from 3 submitters: Benign (2). 1 of the submissions does not count toward it. Last evaluated 2026-01-26.

Conditions:
TOP3A-related disorder. Also called: TOP3A-related disorders; TOP3A-related condition.

Allele frequency attached by ClinVar (database versions not stated): gnomAD exomes 0.00121; ExAC 0.00213; 1000 Genomes Project 30x 0.00312; 1000 Genomes Project 0.00319; ESP Exome Variant Server 0.00487; gnomAD 0.00527 and 0.00583; TOPMed 0.00616.
gnomAD v4.1: 1,559 of 1,550,790 alleles (0.1%); highest among the groups gnomAD compares: African/African-American, 1.8%; 22 homozygotes.

Submissions (3):

Labcorp Genetics (formerly Invitae), Labcorp
Classification: Benign. Last evaluated: 2026-01-26. Review status: criteria provided, single submitter. Criteria: Invitae Variant Classification Sherloc (09022015). Collection method: clinical testing. Allele origin: germline.

Breakthrough Genomics
Classification: Benign. Review status: criteria provided, single submitter. Criteria: ACMG Guidelines, 2015. Collection method: not provided. Allele origin: germline. Inheritance: Autosomal recessive inheritance. Affected: yes.

PreventionGenetics, part of Exact Sciences
Classification: Benign for TOP3A-related condition. Last evaluated: 2019-06-11. Review status: no assertion criteria provided. Collection method: clinical testing. Allele origin: germline. Not counted in ClinVar's aggregate classification.
Comment: This variant is classified as benign based on ACMG/AMP sequence variant interpretation guidelines (Richards et al. 2015 PMID: 25741868, with internal and published modifications).

NM_004618.5(TOP3A):c.11C>T (p.Pro4Leu)

Genes: TOP3A (DNA topoisomerase III alpha; minus strand), LOC130060427 (ATAC-STARR-seq lymphoblastoid active region 11836; plus strand). Cytogenetic location: 17p11.2.
Variant type: single nucleotide variant.
Coding change: c.11C>T on transcript NM_004618.5 (MANE Select); coding-DNA position 11, C replaced by T.
Protein change: p.Pro4Leu; replaces proline 4 with leucine.
Molecular consequence: missense variant. On other transcripts: 5 prime UTR variant (1).
Genome position (GRCh38, 1-based): chr17:18,314,768, G>A on the plus strand (C>T on the coding strand, the complement: TOP3A is on the minus strand). VCF-style: chr17-18314768-G-A. GRCh37 (hg19) VCF-style: chr17-18218082-G-A.
Other names: c.-201C>T (NM_001320759.2); c.11C>T (NM_004618.4); short protein forms P4L.
Identifiers: ClinVar variation 1557926 (VCV001557926.11), dbSNP rs34739588, ClinGen allele CA8430375.